The following is an entry in ClinVar:

ClinVar aggregate classification (germline): Uncertain significance. Review status: criteria provided, multiple submitters, no conflicts (2 of 4 stars). 3 submissions from 3 submitters: Uncertain significance (3). Last evaluated 2025-07-02.

Conditions:
Intellectual disability. Also called: Intellectual functioning disability; intellectual disabilities; Intellectual developmental disorder. Identifiers: MedGen C3714756, MeSH D008607, MONDO:0001071, HP:0001249.

Allele frequency attached by ClinVar (database versions not stated): gnomAD exomes below 0.00001; TOPMed 0.00001.
gnomAD v4.1: 2 of 1,612,494 alleles (0.00012%); highest among the groups gnomAD compares: Admixed American, 0.0017%; no homozygotes.

Submissions (3):

Labcorp Genetics (formerly Invitae), Labcorp
Classification: Uncertain significance. Last evaluated: 2025-07-02. Review status: criteria provided, single submitter. Criteria: Invitae Variant Classification Sherloc (09022015). Collection method: clinical testing. Allele origin: germline.
Comment: This sequence change affects an acceptor splice site in intron 19 of the CACNA1D gene. It is expected to disrupt RNA splicing. Variants that disrupt the donor or acceptor splice site typically lead to a loss of protein function (PMID: 16199547), however the current clinical and genetic evidence is not sufficient to establish whether loss-of-function variants in CACNA1D cause disease. This variant is present in population databases (no rsID available, gnomAD 0.003%). This variant has not been reported in the literature in individuals affected with CACNA1D-related conditions. ClinVar contains an entry for this variant (Variation ID: 2439651). Algorithms developed to predict the effect of sequence changes on RNA splicing suggest that this variant may disrupt the consensus splice site. In summary, the available evidence is currently insufficient to determine the role of this variant in disease. Therefore, it has been classified as a Variant of Uncertain Significance.

Revvity Omics, Revvity
Classification: Uncertain significance. Last evaluated: 2022-01-11. Review status: criteria provided, single submitter. Criteria: ACMG Guidelines, 2015. Collection method: clinical testing. Allele origin: germline.

Cambridge Genomics Laboratory, East Genomic Laboratory Hub, NHS Genomic Medicine Service
Classification: Uncertain significance for Intellectual disability. Last evaluated: 2020-06-08. Review status: criteria provided, single submitter. Criteria: ACGS Best Practice Guidelines for Variant Classification in Rare Disease 2020. Collection method: clinical testing. Allele origin: germline. Affected: yes. Observed: 1 variant allele.

Literature cited by the submitters: PubMed 16199547 (cited by Labcorp Genetics (formerly Invitae), Labcorp).

NM_001128840.3(CACNA1D):c.2474-2A>C

Gene: CACNA1D (calcium voltage-gated channel subunit alpha1 D; plus strand). Cytogenetic location: 3p21.1.
Variant type: single nucleotide variant.
Coding change: c.2474-2A>C on transcript NM_001128840.3 (MANE Select); the canonical splice acceptor site of the intron before coding-DNA position 2474, A replaced by C.
Molecular consequence: splice acceptor variant.
Genome position (GRCh38, 1-based): chr3:53,732,813, A>C. VCF-style: chr3-53732813-A-C. GRCh37 (hg19) VCF-style: chr3-53766840-A-C.
Other names: c.2474-2A>C (NM_001128839.3); c.2534-2A>C (NM_000720.4).
Identifiers: ClinVar variation 2439651 (VCV002439651.6), dbSNP rs952695177, ClinGen allele CA74853931.